The following is an entry in ClinVar:

ClinVar aggregate classification (germline): Uncertain significance (1 of 4 stars; one submission).

gnomAD v4.1: 1 of 1,614,040 alleles (0.000062%); highest among the groups gnomAD compares: Non-Finnish European, 0.000085%; no homozygotes.

Submission:

GeneDx
Classification: Uncertain significance. Last evaluated: 2026-03-08. Review status: criteria provided, single submitter. Criteria: GeneDx Variant Classification Process June 2021. Collection method: clinical testing. Allele origin: germline.
Comment: Not observed at significant frequency in large population cohorts (gnomAD); In silico analysis supports that this missense variant has a deleterious effect on protein structure/function; Has not been previously published as pathogenic or benign to our knowledge

NM_003400.4(XPO1):c.3100T>A (p.Phe1034Ile)

Genes: XPO1 (exportin 1; minus strand), USP34-DT (USP34 divergent transcript; plus strand). Cytogenetic location: 2p15.
Variant type: single nucleotide variant.
Coding change: c.3100T>A on transcript NM_003400.4 (MANE Select); coding-DNA position 3100, T replaced by A.
Protein change: p.Phe1034Ile; replaces phenylalanine 1034 with isoleucine.
Molecular consequence: missense variant.
Genome position (GRCh38, 1-based): chr2:61,478,936, A>T on the plus strand (T>A on the coding strand, the complement: XPO1 is on the minus strand). VCF-style: chr2-61478936-A-T. GRCh37 (hg19) VCF-style: chr2-61706071-A-T.
Other names: c.2965T>A, p.Phe989Ile (NM_001410799.1); short protein forms F1034I, F989I.
Identifiers: ClinVar variation 5008825 (VCV005008825.1).